The following is an entry in ClinVar:

NM_001267550.2(TTN):c.54589C>G (p.Pro18197Ala)

Genes: TTN (titin; minus strand), TTN-AS1 (TTN antisense RNA 1; plus strand). Cytogenetic location: 2q31.2.
Variant type: single nucleotide variant.
Coding change: c.54589C>G on transcript NM_001267550.2 (MANE Select); coding-DNA position 54589, C replaced by G.
Protein change: p.Pro18197Ala; replaces proline 18197 with alanine.
Molecular consequence: missense variant.
Genome position (GRCh38, 1-based): chr2:178,604,098, G>C on the plus strand (C>G on the coding strand, the complement: TTN is on the minus strand). VCF-style: chr2-178604098-G-C. GRCh37 (hg19) VCF-style: chr2-179468825-G-C.
Other names: c.49666C>G, p.Pro16556Ala (NM_001256850.1); c.27394C>G, p.Pro9132Ala (NM_003319.4); c.46885C>G, p.Pro15629Ala (NM_133378.4); c.27769C>G, p.Pro9257Ala (NM_133432.3); c.27970C>G, p.Pro9324Ala (NM_133437.4); short protein forms P15629A, P9257A, P16556A, P18197A, P9132A, P9324A.
Identifiers: ClinVar variation 1795375 (VCV001795375.2), dbSNP rs1475050139, ClinGen allele CA349551077.

ClinVar aggregate classification (germline): Uncertain significance (1 of 4 stars; one submission).

Conditions:
Cardiovascular phenotype. Identifiers: MedGen CN230736.

Allele frequency attached by ClinVar (database versions not stated): gnomAD 0.00001.
gnomAD v4.1: 1 of 1,612,550 alleles (0.000062%); highest among the groups gnomAD compares: Non-Finnish European, 0.000085%; no homozygotes.

Submission:

Ambry Genetics
Classification: Uncertain significance for Cardiovascular phenotype. Last evaluated: 2019-10-17. Review status: criteria provided, single submitter. Criteria: Ambry Variant Classification Scheme 2023. Collection method: clinical testing. Allele origin: germline.
Comment: The p.P9132A variant (also known as c.27394C>G), located in coding exon 109 of the TTN gene, results from a C to G substitution at nucleotide position 27394. The proline at codon 9132 is replaced by alanine, an amino acid with highly similar properties. This amino acid position is not well conserved in available vertebrate species. In addition, this alteration is predicted to be tolerated by in silico analysis. Since supporting evidence is limited at this time, the clinical significance of this alteration remains unclear.